The following is an entry in ClinVar:

NM_205836.3(FBXO38):c.455T>C (p.Val152Ala)

Gene: FBXO38 (F-box protein 38; plus strand). Cytogenetic location: 5q32.
Variant type: single nucleotide variant.
Coding change: c.455T>C on transcript NM_205836.3 (MANE Select); coding-DNA position 455, T replaced by C.
Protein change: p.Val152Ala; replaces valine 152 with alanine.
Molecular consequence: missense variant.
Genome position (GRCh38, 1-based): chr5:148,402,376, T>C. VCF-style: chr5-148402376-T-C. GRCh37 (hg19) VCF-style: chr5-147781939-T-C.
Other names: c.455T>C, p.Val152Ala (NM_001271723.2, NM_030793.5); short protein forms V152A.
Identifiers: ClinVar variation 3362109 (VCV003362109.1).
Genomic context (GRCh38, chr5:148,402,376, plus strand): 5'-TTTCTTATGCTTGCTTTGGCATTATTTTCTAGGGTGTGGAAACTTCTCATTTGGAGTTGG[T>C]AGAATCCATTTGGACATATATGCCCCATGTTCATATTTTGGGGAAATTTCGTAATCGTAA-3'
Protein context (NP_995308.1, residues 142-162): VGVETSHLEL[Val152Ala]ESIWTYMPHV

ClinVar aggregate classification (germline): Uncertain significance (1 of 4 stars; one submission).

Submission:

GeneDx
Classification: Uncertain significance. Last evaluated: 2023-05-31. Review status: criteria provided, single submitter. Criteria: GeneDx Variant Classification Process June 2021. Collection method: clinical testing. Allele origin: germline. Affected: yes.
Comment: Not observed at significant frequency in large population cohorts (gnomAD); In silico analysis supports that this missense variant does not alter protein structure/function; Has not been previously published as pathogenic or benign to our knowledge; Variants in candidate genes are classified as variants of uncertain significance in accordance with ACMG guidelines (Richards et al., 2015)